The following is an entry in ClinVar:

NM_004370.6(COL12A1):c.5513G>A (p.Arg1838Lys)

Gene: COL12A1 (collagen type XII alpha 1 chain; minus strand). Cytogenetic location: 6q13.
Variant type: single nucleotide variant.
Coding change: c.5513G>A on transcript NM_004370.6 (MANE Select); coding-DNA position 5513, G replaced by A.
Protein change: p.Arg1838Lys; replaces arginine 1838 with lysine.
Molecular consequence: missense variant.
Genome position (GRCh38, 1-based): chr6:75,134,737, C>T on the plus strand (G>A on the coding strand, the complement: COL12A1 is on the minus strand). VCF-style: chr6-75134737-C-T. GRCh37 (hg19) VCF-style: chr6-75844453-C-T.
Other names: c.5513G>A, p.Arg1838Lys (NM_001424113.1); c.5492G>A, p.Arg1831Lys (NM_001424114.1); c.5240G>A, p.Arg1747Lys (NM_001424115.1); c.2021G>A, p.Arg674Lys (NM_001424116.1, NM_080645.3); short protein forms R1747K, R1831K, R1838K, R674K.
Identifiers: ClinVar variation 3747879 (VCV003747879.2).
Genomic context (GRCh38, chr6:75,134,737, plus strand): 5'-TTCTAATAGTAGCTATTAAAGAAGCTATAGGAACTCAGGTTTCACTTACTGGTCTTGCCT[C>T]TTCCCGTCATCCGACCTCCTTCACCATCAGGATACAGAGAGGATACGGTGATAGTGTAAG-3'
Protein context (NP_004361.3, residues 1828-1848): PDGEGGRMTG[Arg1838Lys]GKTKPLNTVR

ClinVar aggregate classification (germline): Uncertain significance (1 of 4 stars; one submission).

Conditions:
Ullrich congenital muscular dystrophy 2 (UCMD2). Identifiers: Orphanet 75840, MedGen C4225314, MONDO:0014654, OMIM 616470.
Bethlem myopathy 2 (BTHLM2). Identifiers: Orphanet 536516, Orphanet 610, MedGen C4225313, MONDO:0034022, OMIM 616471.

gnomAD v4.1: 10 of 1,605,858 alleles (0.00062%); highest among the groups gnomAD compares: Non-Finnish European, 0.00077%; no homozygotes.

Submission:

Labcorp Genetics (formerly Invitae), Labcorp
Classification: Uncertain significance for Bethlem myopathy 2; Ullrich congenital muscular dystrophy 2. Last evaluated: 2025-01-19. Review status: criteria provided, single submitter. Criteria: Invitae Variant Classification Sherloc (09022015). Collection method: clinical testing. Allele origin: germline.
Comment: This sequence change replaces arginine, which is basic and polar, with lysine, which is basic and polar, at codon 1838 of the COL12A1 protein (p.Arg1838Lys). This variant is not present in population databases (gnomAD no frequency). This variant has not been reported in the literature in individuals affected with COL12A1-related conditions. Invitae Evidence Modeling of protein sequence and biophysical properties (such as structural, functional, and spatial information, amino acid conservation, physicochemical variation, residue mobility, and thermodynamic stability) indicates that this missense variant is not expected to disrupt COL12A1 protein function with a negative predictive value of 80%. In summary, the available evidence is currently insufficient to determine the role of this variant in disease. Therefore, it has been classified as a Variant of Uncertain Significance.